The following continues an entry in ClinVar:

NM_001276345.2(TNNT2):c.508GAG[3] (p.Glu173del)

Gene: TNNT2. ClinVar aggregate classification (germline): Pathogenic/Likely pathogenic. Pathogenic (11); Likely pathogenic (2).

Submissions 12 to 16 of 16:

Molecular Diagnostic Laboratory for Inherited Cardiovascular Disease, Montreal Heart Institute
Classification: Pathogenic. Last evaluated: 2016-11-28. Review status: criteria provided, single submitter. Criteria: ACMG Guidelines, 2015. Collection method: clinical testing. Allele origin: germline. Affected: yes.

Laboratory for Molecular Medicine, Mass General Brigham Personalized Medicine
Classification: Pathogenic for Hypertrophic cardiomyopathy. Last evaluated: 2012-10-08. Review status: criteria provided, single submitter. Criteria: LMM Criteria. Collection method: clinical testing. Allele origin: germline. Inheritance: Autosomal dominant inheritance. Observed: 21 variant alleles.
Comment: The p.Glu163del variant in TNNT2 has been previously reported in multiple famili es with HCM, segregated with disease in >10 affected family members, and was abs ent from 700 control chromosomes (Watkins 1995, Palm 2001, Richard 2003, Torrice lli 2003, LMM unpublished data). Functional studies indicate that this variant m ay impact protein function (Tobacman 1999, Harada 2000, Manning 2012), though th ese in vitro assays may not accurately represent biological function. In summary , this variant meets our criteria to be classified as pathogenic for HCM in an a utosomal dominant manner base d on segregation studies and absence from controls.

Cardiology unit, Meyer University Hospital
Classification: Likely pathogenic for Hypertrophic cardiomyopathy 2. Last evaluated: 2022-09-27. Review status: no assertion criteria provided. Collection method: clinical testing. Allele origin: germline. Affected: yes. Not counted in ClinVar's aggregate classification.

Genome Diagnostics Laboratory, University Medical Center Utrecht
Classification: Likely pathogenic. Review status: no assertion criteria provided. Collection method: clinical testing. Allele origin: germline. Affected: yes. Study: VKGL Data-share Consensus. Not counted in ClinVar's aggregate classification.

Joint Genome Diagnostic Labs from Nijmegen and Maastricht, Radboudumc and MUMC+
Classification: Likely pathogenic. Review status: no assertion criteria provided. Collection method: clinical testing. Allele origin: germline. Affected: yes. Study: VKGL Data-share Consensus. Not counted in ClinVar's aggregate classification.

Literature cited by the submitters: PubMed 7898523 (cited by 6 submitters); PubMed 20624503 (cited by Labcorp Genetics (formerly Invitae), Labcorp and Dasa); PubMed 22144547 (cited by 4 submitters); PubMed 22260945 (cited by 3 submitters); PubMed 24792744 (cited by 4 submitters); PubMed 10731693 (cited by 4 submitters); PubMed 22579624 (cited by 4 submitters); PubMed 24480310 (cited by 5 submitters); PubMed 27036851 (cited by 4 submitters); PubMed 12707239 (cited by All of Us Research Program, National Institutes of Health and Laboratory for Molecular Medicine, Mass General Brigham Personalized Medicine); PubMed 14636924 (cited by All of Us Research Program, National Institutes of Health and Laboratory for Molecular Medicine, Mass General Brigham Personalized Medicine); PubMed 20800588 (cited by All of Us Research Program, National Institutes of Health); PubMed 21835320 (cited by All of Us Research Program, National Institutes of Health and Ambry Genetics); PubMed 23434821 (cited by All of Us Research Program, National Institutes of Health and AiLife Diagnostics); PubMed 25611685 (cited by All of Us Research Program, National Institutes of Health); PubMed 26714042 (cited by All of Us Research Program, National Institutes of Health and AiLife Diagnostics); PubMed 27532257 (cited by 3 submitters); PubMed 27639548 (cited by All of Us Research Program, National Institutes of Health and Ambry Genetics); PubMed 28771489 (cited by All of Us Research Program, National Institutes of Health); PubMed 28790153 (cited by All of Us Research Program, National Institutes of Health); PubMed 31308319 (cited by All of Us Research Program, National Institutes of Health); PubMed 33029862 (cited by All of Us Research Program, National Institutes of Health); PubMed 33673806 (cited by All of Us Research Program, National Institutes of Health); PubMed 31387947 (cited by AiLife Diagnostics); PubMed 27662471 (cited by AiLife Diagnostics and Ambry Genetics); PubMed 14654368 (cited by AiLife Diagnostics); PubMed 31006259 (cited by AiLife Diagnostics and Ambry Genetics); PubMed 11606294 (cited by Laboratory for Molecular Medicine, Mass General Brigham Personalized Medicine); PubMed 12746413 (cited by Laboratory for Molecular Medicine, Mass General Brigham Personalized Medicine); PubMed 16538283 (cited by Laboratory for Molecular Medicine, Mass General Brigham Personalized Medicine).